The following is an entry in ClinVar:

NM_015665.6(AAAS):c.523G>T (p.Val175Phe)

Gene: AAAS (aladin WD repeat nucleoporin; minus strand). Cytogenetic location: 12q13.13.
Variant type: single nucleotide variant.
Coding change: c.523G>T on transcript NM_015665.6 (MANE Select); coding-DNA position 523, G replaced by T.
Protein change: p.Val175Phe; replaces valine 175 with phenylalanine.
Molecular consequence: missense variant. On other transcripts: intron variant (1).
Genome position (GRCh38, 1-based): chr12:53,314,773, C>A on the plus strand (G>T on the coding strand, the complement: AAAS is on the minus strand). VCF-style: chr12-53314773-C-A. GRCh37 (hg19) VCF-style: chr12-53708557-C-A.
Other names: c.446+321G>T (NM_001173466.2); short protein forms V175F.
Identifiers: ClinVar variation 4847477 (VCV004847477.1).
Genomic context (GRCh38, chr12:53,314,773, plus strand): 5'-TTGACAAGTCAGAGCCCACCTGGTGTCCCCACACACACCTGCTGGCATTATACACACGGA[C>A]TGAGTCATCTAGCAGGGCCACTGCAAACTTGTTGGTGTGGGGGTGCCATGCAAAGACACG-3'
Protein context (NP_056480.1, residues 165-185): KFAVALLDDS[Val175Phe]RVYNASSTIV

ClinVar aggregate classification (germline): Uncertain significance (1 of 4 stars; one submission).

Submission:

Women's Health and Genetics/Laboratory Corporation of America, LabCorp
Classification: Uncertain significance. Last evaluated: 2026-03-04. Review status: criteria provided, single submitter. Criteria: LabCorp Variant Classification Summary - May 2015. Collection method: clinical testing. Allele origin: germline.
Comment: Variant summary: AAAS c.523G>T (p.Val175Phe) results in a non-conservative amino acid change in the encoded protein sequence. Algorithms developed to predict the effect of missense changes on protein structure and function are either unavailable or do not agree on the potential impact of this missense change. The variant was absent in 250892 control chromosomes. c.523G>T has been observed in the homozygous state in at least one individual affected with Glucocorticoid Deficiency With Achalasia (example: Fragoso_2017). These data indicate that the variant may be associated with disease. To our knowledge, no experimental evidence demonstrating an impact on protein function has been reported. The following publication has been ascertained in the context of this evaluation (PMID: 28395280). No submitters have cited clinical-significance assessments for this variant to ClinVar. Based on the evidence outlined above, the variant was classified as VUS-possibly pathogenic.

Literature cited by the submitters: PubMed 28395280.